The following is an entry in ClinVar:

ClinVar aggregate classification (germline): Uncertain significance. Review status: criteria provided, multiple submitters, no conflicts (2 of 4 stars). 4 submissions from 4 submitters: Uncertain significance (3). 1 of the submissions does not count toward it. Last evaluated 2025-12-24.

Conditions:
Acute myeloid leukemia (AML). Also called: Leukemia, acute myeloid, somatic; Leukemia, acute myelogenous, somatic; Acute myeloid leukemia, adult; AML adult; Acute non-lymphocytic leukemia; Acute granulocytic leukemia. Identifiers: Orphanet 519, MedGen C0023467, MeSH D015470, MONDO:0018874, OMIM 601626, HP:0004808. Disease mechanism: Constitutively activated FLT3.
Inborn genetic diseases. Identifiers: MedGen C0950123, MeSH D030342.

Allele frequency attached by ClinVar (database versions not stated): gnomAD exomes below 0.00001; gnomAD 0.00001; TOPMed 0.00001.

Submissions (4):

Labcorp Genetics (formerly Invitae), Labcorp
Classification: Uncertain significance for Acute myeloid leukemia. Last evaluated: 2025-12-24. Review status: criteria provided, single submitter. Criteria: Invitae Variant Classification Sherloc (09022015). Collection method: clinical testing. Allele origin: germline.
Comment: This sequence change replaces alanine, which is neutral and non-polar, with serine, which is neutral and polar, at codon 4 of the CEBPA protein (p.Ala4Ser). This variant is not present in population databases (gnomAD no frequency). This variant has not been reported in the literature in individuals affected with CEBPA-related conditions. ClinVar contains an entry for this variant (Variation ID: 566536). An algorithm developed to predict the effect of missense changes on protein structure and function (PolyPhen-2) suggests that this variant is likely to be tolerated. In summary, the available evidence is currently insufficient to determine the role of this variant in disease. Therefore, it has been classified as a Variant of Uncertain Significance.

Ambry Genetics
Classification: Uncertain significance for Inborn genetic diseases. Last evaluated: 2025-05-23. Review status: criteria provided, single submitter. Criteria: Ambry Variant Classification Scheme 2023. Collection method: clinical testing. Allele origin: germline.
Comment: The p.A4S variant (also known as c.10G>T), located in coding exon 1 of the CEBPA gene, results from a G to T substitution at nucleotide position 10. The alanine at codon 4 is replaced by serine, an amino acid with similar properties. This amino acid position is conserved. In addition, this alteration is predicted to be tolerated by in silico analysis. Based on the available evidence, the clinical significance of this variant remains unclear.

Baylor Genetics
Classification: Uncertain significance for Acute myeloid leukemia. Last evaluated: 2023-12-29. Review status: criteria provided, single submitter. Criteria: ACMG Guidelines, 2015. Collection method: clinical testing. Allele origin: unknown.

Genetic Services Laboratory, University of Chicago
Classification: Uncertain significance. Last evaluated: 2022-12-14. Review status: no assertion criteria provided. Collection method: clinical testing. Allele origin: germline. Affected: no. Not counted in ClinVar's aggregate classification.
Comment: DNA sequence analysis of the CEBPA gene demonstrated a sequence change, c.10G>T, in exon 1 that results in an amino acid change, p.Ala4Ser. This sequence change does not appear to have been previously described in individuals with CEBPA-related disorders and has also not been described in population databases such as ExAC and gnomAD (dbSNP rs1415169403). The p.Ala4Ser change affects a moderately conserved amino acid residue located in a domain of the CEBPA protein that is known to be functional. The p.Ala4Ser substitution appears to be benign using several in-silico pathogenicity prediction tools (SIFT, PolyPhen2, Align GVGD, REVEL). Due to insufficient evidences and the lack of functional studies, the clinical significance of the p.Ala4Ser change remains unknown at this time.

NM_004364.5(CEBPA):c.10G>T (p.Ala4Ser)

Genes: CEBPA (CCAAT enhancer binding protein alpha; minus strand), LOC130064183 (ATAC-STARR-seq lymphoblastoid silent region 10495; plus strand). Cytogenetic location: 19q13.11.
Variant type: single nucleotide variant.
Coding change: c.10G>T on transcript NM_004364.5 (MANE Select); coding-DNA position 10, G replaced by T.
Protein change: p.Ala4Ser; replaces alanine 4 with serine.
Molecular consequence: missense variant. On other transcripts: 5 prime UTR variant (2).
Genome position (GRCh38, 1-based): chr19:33,302,405, C>A on the plus strand (G>T on the coding strand, the complement: CEBPA is on the minus strand). VCF-style: chr19-33302405-C-A. GRCh37 (hg19) VCF-style: chr19-33793311-C-A.
Other names: c.-348G>T (NM_001285829.2); c.115G>T, p.Ala39Ser (NM_001287424.2); c.-33G>T (NM_001287435.2); c.10G>T (NM_004364.3); short protein forms A4S, A39S.
Identifiers: ClinVar variation 566536 (VCV000566536.13), dbSNP rs1415169403, ClinGen allele CA405275872.